The following is an entry in ClinVar:

ClinVar aggregate classification (germline): Pathogenic (1 of 4 stars; one submission).

Conditions:
Corneal dystrophy-perceptive deafness syndrome (CDPD). Also called: CORNEAL DYSTROPHY AND SENSORINEURAL DEAFNESS; HARBOYAN SYNDROME. Identifiers: Orphanet 1490, MedGen C1857572, MONDO:0009015, OMIM 217400.

Submission:

Natera, Inc.
Classification: Pathogenic for Corneal dystrophy-perceptive deafness syndrome. Last evaluated: 2025-05-22. Review status: criteria provided, single submitter. Criteria: Natera Variant Classification Schema (03/2026). Collection method: clinical testing. Allele origin: germline.
Comment: The c.2450del variant in SLC4A11 is a frameshift variant predicted to shift the reading frame beginning at codon 817 and leads to a stop codon 32 codons downstream. This variant is expected to result in nonsense mediated decay, truncation, or a dysfunctional protein product. This variant is rare in the general population with a frequency below the threshold expected for the associated phenotype(s). This variant has been observed in one or more individuals affected with the associated recessive disease, as either homozygous or compound heterozygous with a second variant (PMID: 26619383). Given the available evidence, this variant is classified as Pathogenic.

Literature cited by the submitters: PubMed 26619383.

NM_001174089.2(SLC4A11):c.2402del (p.Pro801fs)

Gene: SLC4A11 (solute carrier family 4 member 11; minus strand). Cytogenetic location: 20p13.
Variant type: Deletion.
Coding change: c.2402del on transcript NM_001174089.2 (MANE Select); coding-DNA position 2402, one base deleted (C; older notation c.2402delC).
Protein change: p.Pro801fs; shifts the reading frame from proline 801.
Molecular consequence: frameshift variant. On other transcripts: non-coding transcript variant (3).
Genome position (GRCh38, 1-based): chr20:3,228,415, G deleted on the plus strand (C on the coding strand, the reverse complement: SLC4A11 is on the minus strand); the first of 6 consecutive G bases (chr20:3,228,415-3,228,420); deleting any one gives the same sequence. VCF-style (leftmost placement, unchanged base first): chr20-3228414-CG-C. GRCh37 (hg19) VCF-style: chr20-3209060-CG-C.
Other names: c.2531del, p.Pro844fs (NM_001174090.2); c.2288del, p.Pro763fs (NM_001363745.2); c.2345del, p.Pro782fs (NM_001400277.1, NM_001400278.1, NM_001400279.1); c.2417del, p.Pro806fs (NM_001400280.1); c.2450del, p.Pro817fs (NM_032034.4); short protein forms P763fs, P782fs, P801fs, P806fs, P817fs, P844fs.
Identifiers: ClinVar variation 4061814 (VCV004061814.2).
Genomic context (GRCh38, chr20:3,228,414, plus strand): 5'-CACCTGCAGGCCCGTGAAGTAGTGGATCTTCCTCTGGGGCACCCTCCGGATGTAGTGTGT[CG>C]GGGGGTACGCAGTCTGTGGGCGGCAGGGACCGGGTGTGGGCAGGCATGGGGCTGTGTCCC-3'